The following is an entry in ClinVar:

ClinVar aggregate classification (germline): Uncertain significance (1 of 4 stars; one submission).

Submission:

CeGaT Center for Human Genetics Tuebingen
Classification: Uncertain significance. Last evaluated: 2023-02-01. Review status: criteria provided, single submitter. Criteria: CeGaT Center For Human Genetics Tuebingen Variant Classification Criteria Version 2. Collection method: clinical testing. Allele origin: germline. Affected: yes. Observed: 1 variant allele.
Comment: STARD9: PM2, BP4

NM_020759.3(STARD9):c.1411G>C (p.Gly471Arg)

Gene: STARD9 (StAR related lipid transfer domain containing 9; plus strand). Cytogenetic location: 15q15.2.
Variant type: single nucleotide variant.
Coding change: c.1411G>C on transcript NM_020759.3 (MANE Select); coding-DNA position 1411, G replaced by C.
Protein change: p.Gly471Arg; replaces glycine 471 with arginine.
Molecular consequence: missense variant.
Genome position (GRCh38, 1-based): chr15:42,669,251, G>C. VCF-style: chr15-42669251-G-C. GRCh37 (hg19) VCF-style: chr15-42961449-G-C.
Other names: short protein forms G471R.
Identifiers: ClinVar variation 2645240 (VCV002645240.24), dbSNP rs2505608390, ClinGen allele CA392021785.